The following is an entry in ClinVar:

NM_207352.4(CYP4V2):c.942_943del (p.Ser315_His316insTer)

Gene: CYP4V2 (cytochrome P450 family 4 subfamily V member 2; plus strand). Cytogenetic location: 4q35.2.
Variant type: Deletion.
Coding change: c.942_943del on transcript NM_207352.4 (MANE Select); coding-DNA positions 942 to 943, 2 bases deleted (AA; older notation c.942_943delAA).
Protein change: p.Ser315_His316insTer.
Molecular consequence: frameshift variant.
Genome position (GRCh38, 1-based): chr4:186,201,297-186,201,298, AA deleted. VCF-style (leftmost placement, unchanged base first): chr4-186201296-TAA-T. GRCh37 (hg19) VCF-style: chr4-187122450-TAA-T.
Identifiers: ClinVar variation 4292347 (VCV004292347.1).
Genomic context (GRCh38, chr4:186,201,296, plus strand): 5'-ATAAACGCAGGGCCTTTCTTGACTTGCTTTTAAGTGTGACTGATGACGAAGGGAACAGGC[TAA>T]GTCATGAAGATATTCGAGAAGAAGTTGACACCTTCATGTTTGAGGTATTGTATATTGTTA-3'

ClinVar aggregate classification (germline): Likely pathogenic (1 of 4 stars; one submission).

Conditions:
Bietti crystalline corneoretinal dystrophy (BCD). Also called: Bietti Crystalline Dystrophy; BIETTI TAPETORETINAL DEGENERATION WITH MARGINAL CORNEAL DYSTROPHY. Identifiers: Orphanet 41751, MedGen C1859486, MONDO:0008865, OMIM 210370.

Submission:

3billion
Classification: Likely pathogenic for Bietti crystalline corneoretinal dystrophy. Last evaluated: 2025-02-12. Review status: criteria provided, single submitter. Criteria: ACMG Guidelines, 2015. Collection method: clinical testing. Allele origin: germline. Affected: yes.
Comment: The variant is observed at an extremely low frequency in the gnomAD v4.1.0 dataset (total allele frequency: <0.001%). Predicted Consequence/Location: Stop-gained (nonsense): predicted to result in a loss or disruption of normal protein function through nonsense-mediated decay (NMD) or protein truncation. Multiple pathogenic variants are reported downstream of the variant. Therefore, this variant is classified as Likely pathogenic according to the recommendation of ACMG/AMP guideline.